The following is an entry in ClinVar:

ClinVar aggregate classification (germline): Likely benign. Review status: criteria provided, single submitter (1 of 4 stars). 2 submissions from 2 submitters: Likely benign (1). 1 of the submissions does not count toward it. Last evaluated 2025-04-17.

Conditions:
VCAN-related disorder. Also called: VCAN-related condition.

Allele frequency attached by ClinVar (database versions not stated): gnomAD exomes below 0.00001; gnomAD 0.00001; TOPMed 0.00003.
gnomAD v4.1: 8 of 1,601,002 alleles (0.0005%); highest among the groups gnomAD compares: Admixed American, 0.0067%; no homozygotes.

Submissions (2):

Labcorp Genetics (formerly Invitae), Labcorp
Classification: Likely benign. Last evaluated: 2025-04-17. Review status: criteria provided, single submitter. Criteria: Invitae Variant Classification Sherloc (09022015). Collection method: clinical testing. Allele origin: germline.

PreventionGenetics, part of Exact Sciences
Classification: Likely benign for VCAN-related condition. Last evaluated: 2019-06-19. Review status: no assertion criteria provided. Collection method: clinical testing. Allele origin: germline. Not counted in ClinVar's aggregate classification.
Comment: This variant is classified as likely benign based on ACMG/AMP sequence variant interpretation guidelines (Richards et al. 2015 PMID: 25741868, with internal and published modifications).

NM_004385.5(VCAN):c.3927G>A (p.Thr1309=)

Gene: VCAN (versican; plus strand). Cytogenetic location: 5q14.3.
Variant type: single nucleotide variant.
Coding change: c.3927G>A on transcript NM_004385.5 (MANE Select); coding-DNA position 3927, G replaced by A.
Protein change: p.Thr1309=; no amino-acid change (threonine 1309 retained).
Molecular consequence: synonymous variant. On other transcripts: intron variant (2).
Genome position (GRCh38, 1-based): chr5:83,522,233, G>A. VCF-style: chr5-83522233-G-A. GRCh37 (hg19) VCF-style: chr5-82818052-G-A.
Other names: c.3927G>A (NM_004385.4); c.3927G>A, p.Thr1309= (NM_001164098.2); c.1042+9837G>A (NM_001164097.2, NM_001126336.3).
Identifiers: ClinVar variation 1538973 (VCV001538973.10), dbSNP rs1746137096, ClinGen allele CA445397338.